The following is an entry in ClinVar:

ClinVar aggregate classification (germline): Benign/Likely benign. Review status: criteria provided, multiple submitters, no conflicts (2 of 4 stars). 3 submissions from 3 submitters: Benign (1); Likely benign (2). Last evaluated 2025-10-08.

Conditions:
Tuberous sclerosis 1 (TSC1). Identifiers: Orphanet 805, MedGen C1854465, MONDO:0008612, OMIM 191100.
Hereditary cancer-predisposing syndrome. Also called: Neoplastic Syndromes, Hereditary; Hereditary neoplastic syndrome; Hereditary Cancer Syndrome; Tumor predisposition. Identifiers: Orphanet 140162, MedGen C0027672, MeSH D009386, MONDO:0015356.

Allele frequency attached by ClinVar (database versions not stated): gnomAD 0.00001.
gnomAD v4.1: 1 of 1,612,528 alleles (0.000062%); highest among the groups gnomAD compares: African/African-American, 0.0013%; no homozygotes.

Submissions (3):

Ambry Genetics
Classification: Likely benign for Hereditary cancer-predisposing syndrome. Last evaluated: 2025-10-08. Review status: criteria provided, single submitter. Criteria: Ambry Variant Classification Scheme 2023. Collection method: clinical testing. Allele origin: germline.

Labcorp Genetics (formerly Invitae), Labcorp
Classification: Likely benign for Tuberous sclerosis 1. Last evaluated: 2025-09-24. Review status: criteria provided, single submitter. Criteria: Invitae Variant Classification Sherloc (09022015). Collection method: clinical testing. Allele origin: germline.

Myriad Genetics, Inc.
Classification: Benign for Tuberous sclerosis 1. Last evaluated: 2025-04-09. Review status: criteria provided, single submitter. Criteria: Myriad Autosomal Dominant, Autosomal Recessive and X-Linked Classification Criteria (2023). Collection method: clinical testing. Allele origin: unknown.
Comment: This variant is considered benign. This variant is a silent/synonymous amino acid change and it is not expected to impact splicing.

NM_000368.5(TSC1):c.1017T>C (p.Thr339=)

Gene: TSC1 (TSC complex subunit 1; minus strand). Cytogenetic location: 9q34.13.
Variant type: single nucleotide variant.
Coding change: c.1017T>C on transcript NM_000368.5 (MANE Select); coding-DNA position 1017, T replaced by C.
Protein change: p.Thr339=; no amino-acid change (threonine 339 retained).
Molecular consequence: synonymous variant. On other transcripts: 5 prime UTR variant (2), non-coding transcript variant (5).
Genome position (GRCh38, 1-based): chr9:132,911,465, A>G on the plus strand (T>C on the coding strand, the complement: TSC1 is on the minus strand). VCF-style: chr9-132911465-A-G. GRCh37 (hg19) VCF-style: chr9-135786852-A-G.
Other names: c.1017T>C, p.Thr339= (NM_001162426.2, NM_001406592.1, NM_001406593.1 and 16 more transcripts); c.864T>C, p.Thr288= (NM_001162427.2, NM_001406610.1, NM_001406611.1 and 2 more transcripts); c.654T>C, p.Thr218= (NM_001362177.2, NM_001406614.1, NM_001406615.1 and 10 more transcripts); c.66T>C, p.Thr22= (NM_001406626.1, NM_001406627.1, NM_001406628.1); c.-77T>C (NM_001406629.1, NM_001406630.1).
Identifiers: ClinVar variation 2148844 (VCV002148844.6), dbSNP rs1845953694, ClinGen allele CA467593437.